The following is an entry in ClinVar:

ClinVar aggregate classification (germline): Uncertain significance (1 of 4 stars; one submission).

Conditions:
Charcot-Marie-Tooth disease axonal type 2F (CMT2F). Also called: Charcot-Marie-Tooth Neuropathy Type 2F; CHARCOT-MARIE-TOOTH DISEASE, NEURONAL, TYPE 2F. Identifiers: Orphanet 99940, MedGen C1847823, MONDO:0011687, OMIM 606595.

Submission:

Labcorp Genetics (formerly Invitae), Labcorp
Classification: Uncertain significance for Charcot-Marie-Tooth disease axonal type 2F. Last evaluated: 2024-07-18. Review status: criteria provided, single submitter. Criteria: Invitae Variant Classification Sherloc (09022015). Collection method: clinical testing. Allele origin: germline.
Comment: This sequence change replaces proline, which is neutral and non-polar, with histidine, which is basic and polar, at codon 146 of the HSPB1 protein (p.Pro146His). This variant is present in population databases (rs780691682, gnomAD 0.007%). This variant has not been reported in the literature in individuals affected with HSPB1-related conditions. Advanced modeling of protein sequence and biophysical properties (such as structural, functional, and spatial information, amino acid conservation, physicochemical variation, residue mobility, and thermodynamic stability) has been performed at Invitae for this missense variant, however the output from this modeling did not meet the statistical confidence thresholds required to predict the impact of this variant on HSPB1 protein function. In summary, the available evidence is currently insufficient to determine the role of this variant in disease. Therefore, it has been classified as a Variant of Uncertain Significance.

NM_001540.5(HSPB1):c.437C>A (p.Pro146His)

Gene: HSPB1 (heat shock protein family B (small) member 1; plus strand). Cytogenetic location: 7q11.23.
Variant type: single nucleotide variant.
Coding change: c.437C>A on transcript NM_001540.5 (MANE Select); coding-DNA position 437, C replaced by A.
Protein change: p.Pro146His; replaces proline 146 with histidine.
Molecular consequence: missense variant.
Genome position (GRCh38, 1-based): chr7:76,303,992, C>A. VCF-style: chr7-76303992-C-A. GRCh37 (hg19) VCF-style: chr7-75933309-C-A.
Other names: short protein forms P146H.
Identifiers: ClinVar variation 3702672 (VCV003702672.2).
Genomic context (GRCh38, chr7:76,303,992, plus strand): 5'-GGACCCACCCGGTGTGTAATGTAACGCTTGCCTTTCCTCTCTGCACGTCCAGGCTGCCCC[C>A]CGGTGTGGACCCCACCCAAGTTTCCTCCTCCCTGTCCCCTGAGGGCACACTGACCGTGGA-3'
Protein context (NP_001531.1, residues 136-156): RCFTRKYTLP[Pro146His]GVDPTQVSSS